The following is an entry in ClinVar:

NM_206933.4(USH2A):c.8177G>A (p.Gly2726Glu)

Gene: USH2A (usherin; minus strand). Cytogenetic location: 1q41.
Variant type: single nucleotide variant.
Coding change: c.8177G>A on transcript NM_206933.4 (MANE Select); coding-DNA position 8177, G replaced by A.
Protein change: p.Gly2726Glu; replaces glycine 2726 with glutamic acid.
Molecular consequence: missense variant.
Genome position (GRCh38, 1-based): chr1:215,888,472, C>T on the plus strand (G>A on the coding strand, the complement: USH2A is on the minus strand). VCF-style: chr1-215888472-C-T. GRCh37 (hg19) VCF-style: chr1-216061814-C-T.
Other names: NM_206933.2(USH2A):c.8177G>A(p.Gly2726Glu); NM_206933.2(USH2A):c.8177G>A; short protein forms G2726E.
Identifiers: ClinVar variation 179542 (VCV000179542.17), dbSNP rs549796389, ClinGen allele CA184631.

ClinVar aggregate classification (germline): Uncertain significance. Review status: reviewed by expert panel (3 of 4 stars). 8 submissions from 8 submitters: Uncertain significance (1). 7 of the submissions do not count toward it. Last evaluated 2023-09-26.

Conditions:
Usher syndrome. Also called: Usher Syndromes; Usher's syndrome. Identifiers: Orphanet 886, MedGen CN469326, MeSH D052245, MONDO:0019501. Disease mechanism: loss of function.
Retinitis pigmentosa 39 (RP39). Identifiers: Orphanet 791, MedGen C3151138, MONDO:0013436, OMIM 613809.
Usher syndrome type 2A. Also called: RETINAL DISEASE IN USHER SYNDROME TYPE IIA, MODIFIER OF; USHER SYNDROME, TYPE IIA. Identifiers: Orphanet 231178, Orphanet 886, MedGen C1848634, MONDO:0010169, OMIM 276901.

Allele frequency attached by ClinVar (database versions not stated): gnomAD 0.00001.
gnomAD v4.1: 42 of 1,613,748 alleles (0.0026%); highest among the groups gnomAD compares: Non-Finnish European, 0.0035%; no homozygotes.

Submissions (8):

ClinGen Hearing Loss Variant Curation Expert Panel
Classification: Uncertain significance for Usher syndrome. Last evaluated: 2023-09-26. Review status: reviewed by expert panel. Criteria: Clingen Hl Acmg Specifications Cdh23 Coch Gjb2 Kcnq4 Myo6 Myo7a Slc26a4 Tecta Ush2a V2. Collection method: curation. Allele origin: germline. Inheritance: Autosomal recessive inheritance.
Comment: The c.8177G>A variant in USH2A is a missense variant predicted to cause substitution of glycine to glutamic acid at amino acid 2726. The highest population minor allele frequency in gnomAD v2.1.1 is 0.003% (3/111282 alleles) in the European population, which is lower than the ClinGen Hearing Loss VCEP threshold (<0.007) for PM2_Supporting, meeting this criterion (PM2_Supporting). The computational predictor REVEL gives a score of 0.406, which is neither above nor below the thresholds predicting a damaging or benign impact on USH2A function. In summary, this variant meets the criteria to be classified as uncertain significance for autosomal recessive Usher syndrome based on the ACMG/AMP criteria applied, as specified by the ClinGen Hearing Loss VCEP: PM2_Supporting. (ClinGen Hearing Loss VCEP specifications version 2; 9/26/2023)

Labcorp Genetics (formerly Invitae), Labcorp
Classification: Uncertain significance. Last evaluated: 2025-05-29. Review status: criteria provided, single submitter. Criteria: Invitae Variant Classification Sherloc (09022015). Collection method: clinical testing. Allele origin: germline. Not counted in ClinVar's aggregate classification.
Comment: This sequence change replaces glycine, which is neutral and non-polar, with glutamic acid, which is acidic and polar, at codon 2726 of the USH2A protein (p.Gly2726Glu). This variant is present in population databases (rs549796389, gnomAD 0.003%). This variant has not been reported in the literature in individuals affected with USH2A-related conditions. ClinVar contains an entry for this variant (Variation ID: 179542). Invitae Evidence Modeling of protein sequence and biophysical properties (such as structural, functional, and spatial information, amino acid conservation, physicochemical variation, residue mobility, and thermodynamic stability) has been performed for this missense variant. However, the output from this modeling did not meet the statistical confidence thresholds required to predict the impact of this variant on USH2A protein function. In summary, the available evidence is currently insufficient to determine the role of this variant in disease. Therefore, it has been classified as a Variant of Uncertain Significance.

Blueprint Genetics
Classification: Uncertain significance. Last evaluated: 2024-09-16. Review status: criteria provided, single submitter. Criteria: ACMG Guidelines, 2015. Collection method: clinical testing. Allele origin: germline. Not counted in ClinVar's aggregate classification.

Mayo Clinic Laboratories, Mayo Clinic
Classification: Uncertain significance. Last evaluated: 2022-02-02. Review status: criteria provided, single submitter. Criteria: ACMG Guidelines, 2015. Collection method: clinical testing. Allele origin: germline. Observed: 1 variant allele. Not counted in ClinVar's aggregate classification.
Comment: PM2

Genomic Diagnostic Laboratory, Division of Genomic Diagnostics, Children's Hospital of Philadelphia
Classification: Uncertain significance. Last evaluated: 2015-08-24. Review status: criteria provided, single submitter. Criteria: DGD Variant Analysis Guidelines. Collection method: clinical testing. Allele origin: unknown. Not counted in ClinVar's aggregate classification.

Laboratory for Molecular Medicine, Mass General Brigham Personalized Medicine
Classification: Uncertain significance. Last evaluated: 2014-02-06. Review status: criteria provided, single submitter. Criteria: LMM Criteria. Collection method: clinical testing. Allele origin: germline. Observed: 1 variant allele. Not counted in ClinVar's aggregate classification.
Comment: The Gly2726Glu variant in USH2A has not been previously reported in individuals with hearing loss or in large population studies. The amino acid residue at this position is not conserved in several species suggesting that variants at this p osition may be tolerated; however, computational analyses (AlignGVGD, PolyPhen2, and SIFT) predict that the variant may impact the protein. In summary, addition al information is needed to fully assess the clinical significance of this varia nt.

Natera, Inc.
Classification: Uncertain significance for Usher syndrome type 2A. Last evaluated: 2020-03-27. Review status: no assertion criteria provided. Collection method: clinical testing. Allele origin: germline. Not counted in ClinVar's aggregate classification.

Counsyl
Classification: Uncertain significance for Usher syndrome type 2A; Retinitis pigmentosa 39. Last evaluated: 2017-07-27. Review status: no assertion criteria provided. Collection method: clinical testing. Allele origin: unknown. Not counted in ClinVar's aggregate classification.